The following is an entry in ClinVar:

ClinVar aggregate classification (germline): Uncertain significance (1 of 4 stars; one submission).

Submission:

Dasa
Classification: Uncertain significance. Last evaluated: 2025-04-24. Review status: criteria provided, single submitter. Criteria: DASA Assertion Criteria. Collection method: clinical testing. Allele origin: germline.
Comment: NM_001374828.1(ARID1B):c.1791G>C (p.Gln597His) is a missense variant that results in the substitution of glutamine with histidine. This variant is absent from population databases. Computational prediction algorithms are consistent with a deleterious effect. The currently available literature and clinical evidence are not sufficient to establish a definitive association between this variant and the reported condition. Therefore, this variant is classified as a variant of uncertain significance.

NM_001374828.1(ARID1B):c.1791G>C (p.Gln597His)

Gene: ARID1B (AT-rich interaction domain 1B; plus strand). Cytogenetic location: 6q25.3.
Variant type: single nucleotide variant.
Coding change: c.1791G>C on transcript NM_001374828.1 (MANE Select); coding-DNA position 1791, G replaced by C.
Protein change: p.Gln597His; replaces glutamine 597 with histidine.
Molecular consequence: missense variant.
Genome position (GRCh38, 1-based): chr6:156,779,471, G>C. VCF-style: chr6-156779471-G-C. GRCh37 (hg19) VCF-style: chr6-157100605-G-C.
Other names: c.1791G>C, p.Gln597His (NM_001371656.1, NM_001374820.1, NM_017519.3 and 9 more transcripts); short protein forms Q597H.
Identifiers: ClinVar variation 4881185 (VCV004881185.2).